The following is an entry in ClinVar:

ClinVar aggregate classification (germline): Pathogenic (1 of 4 stars; one submission).

Conditions:
Primary ciliary dyskinesia. Also called: Ciliary dyskinesia. Identifiers: Orphanet 244, MedGen C0008780, MONDO:0016575, HP:0012265.

Submission:

Labcorp Genetics (formerly Invitae), Labcorp
Classification: Pathogenic for Primary ciliary dyskinesia. Last evaluated: 2021-03-01. Review status: criteria provided, single submitter. Criteria: Invitae Variant Classification Sherloc (09022015). Collection method: clinical testing. Allele origin: germline.
Comment: For these reasons, this variant has been classified as Pathogenic. This variant has not been reported in the literature in individuals with DNAH5-related conditions. This variant is not present in population databases (ExAC no frequency). This sequence change creates a premature translational stop signal (p.Leu3835Cysfs*17) in the DNAH5 gene. It is expected to result in an absent or disrupted protein product. Loss-of-function variants in DNAH5 are known to be pathogenic (PMID: 11788826, 16627867).

Literature cited by the submitters: PubMed 11788826; PubMed 16627867.

NM_001369.3(DNAH5):c.11500_11512del (p.Leu3835fs)

Gene: DNAH5 (dynein axonemal heavy chain 5; minus strand). Cytogenetic location: 5p15.2.
Variant type: Deletion.
Coding change: c.11500_11512del on transcript NM_001369.3 (MANE Select); coding-DNA positions 11500 to 11512, 13 bases deleted (CGCTTGGTTAATG).
Protein change: p.Leu3835fs; shifts the reading frame from leucine 3835.
Molecular consequence: frameshift variant.
Genome position (GRCh38, 1-based): chr5:13,735,876-13,735,888, CATTAACCAAGCG deleted on the plus strand (CGCTTGGTTAATG on the coding strand, the reverse complement: DNAH5 is on the minus strand); deleting any 13 consecutive bases within chr5:13,735,876-13,735,891 gives the same sequence; the c. name uses the placement nearest the transcript's 3' end. VCF-style (leftmost placement, unchanged base first): chr5-13735875-TCATTAACCAAGCG-T. GRCh37 (hg19) VCF-style: chr5-13735984-TCATTAACCAAGCG-T.
Other names: short protein forms L3835fs.
Identifiers: ClinVar variation 1363150 (VCV001363150.6), dbSNP rs2126610936, ClinGen allele CA2573138435.
Genomic context (GRCh38, chr5:13,735,875, plus strand): 5'-TACCTGGCTAAGGAAAGGTCAAATAAGCCCAGAAACTGGCGAAGCGAAGTCTGATACATC[TCATTAACCAAGCG>T]CATCTCAGTAATGAGGAAGTAGAGGATGCTGCCCCGCGTAGCCACTGGAAGACAAAGAGC-3'